The following is an entry in ClinVar:

NC_000023.10:g.(?_48932462)_(49089771_?)dup

Genes: CACNA1F (calcium voltage-gated channel subunit alpha1 F; minus strand), GPKOW (G-patch domain and KOW motifs; minus strand), MAGIX (MAGI family member, X-linked; plus strand), PLP2 (proteolipid protein 2; plus strand), PRICKLE3 (prickle planar cell polarity protein 3; minus strand) and 2 more. Cytogenetic location: Xp11.23.
Variant type: Duplication.
Identifiers: ClinVar variation 2425310 (VCV002425310.4).

ClinVar aggregate classification (germline): Uncertain significance (1 of 4 stars; one submission).

Submission:

Labcorp Genetics (formerly Invitae), Labcorp
Classification: Uncertain significance. Last evaluated: 2022-01-13. Review status: criteria provided, single submitter. Criteria: Invitae Variant Classification Sherloc (09022015). Collection method: clinical testing. Allele origin: germline.
Comment: A copy number gain of the genomic region encompassing the full coding sequence of the CACNA1F gene has been identified. The boundaries of this event are unknown as they extend beyond the assayed region for this gene and therefore may encompass additional genes. As the precise location of this event is unknown, it may be in tandem or it may be located elsewhere in the genome. This variant has not been reported in the literature in individuals affected with CACNA1F-related conditions. In summary, the available evidence is currently insufficient to determine the role of this variant in disease. Therefore, it has been classified as a Variant of Uncertain Significance.